The following is an entry in ClinVar:

ClinVar aggregate classification (germline): Uncertain significance (1 of 4 stars; one submission).

Conditions:
Hypophosphatemic nephrolithiasis/osteoporosis 1. Identifiers: Orphanet 244305, MedGen C2676786, MONDO:0012850, OMIM 612286.

gnomAD v4.1: 45 of 1,613,748 alleles (0.0028%); highest among the groups gnomAD compares: African/African-American, 0.036%; no homozygotes.

Submission:

MVZ Medizinische Genetik Mainz
Classification: Uncertain significance for Hypophosphatemic nephrolithiasis/osteoporosis 1. Last evaluated: 2023-12-19. Review status: criteria provided, single submitter. Criteria: UK Practice Guidelines For Variant Classification V4 01 2020. Collection method: clinical testing. Allele origin: germline. Inheritance: Autosomal dominant inheritance. Affected: yes. Observed: 1 variant allele.
Comment: ACMG Criteria: PM5,PM2_SUP

NM_003052.5(SLC34A1):c.1535G>A (p.Arg512His)

Gene: SLC34A1 (solute carrier family 34 member 1; plus strand). Cytogenetic location: 5q35.3.
Variant type: single nucleotide variant.
Coding change: c.1535G>A on transcript NM_003052.5 (MANE Select); coding-DNA position 1535, G replaced by A.
Protein change: p.Arg512His; replaces arginine 512 with histidine.
Molecular consequence: missense variant.
Genome position (GRCh38, 1-based): chr5:177,397,901, G>A. VCF-style: chr5-177397901-G-A. GRCh37 (hg19) VCF-style: chr5-176824902-G-A.
Other names: short protein forms R512H.
Identifiers: ClinVar variation 4857238 (VCV004857238.1).